The following is an entry in ClinVar:

ClinVar aggregate classification (germline): Uncertain significance. Review status: criteria provided, single submitter (1 of 4 stars). 2 submissions from 2 submitters: Uncertain significance (1). 1 of the submissions does not count toward it. Last evaluated 2026-02-01.

Conditions:
DLST-related disorder. Also called: DLST-related condition.

Allele frequency attached by ClinVar (database versions not stated): gnomAD 0.00050; 1000 Genomes Project 30x 0.00141; ExAC 0.00023; ESP Exome Variant Server 0.00046; TOPMed 0.00067; 1000 Genomes Project 0.00140.
gnomAD v4.1: 153 of 1,614,114 alleles (0.0095%); highest among the groups gnomAD compares: African/African-American, 0.17%; no homozygotes.

Submissions (2):

Labcorp Genetics (formerly Invitae), Labcorp
Classification: Uncertain significance. Last evaluated: 2026-02-01. Review status: criteria provided, single submitter. Criteria: Invitae Variant Classification Sherloc (09022015). Collection method: clinical testing. Allele origin: germline.
Comment: This sequence change replaces glycine, which is neutral and non-polar, with aspartic acid, which is acidic and polar, at codon 147 of the DLST protein (p.Gly147Asp). This variant is present in population databases (rs145198857, gnomAD 0.2%), and has an allele count higher than expected for a pathogenic variant. This variant has not been reported in the literature in individuals affected with DLST-related conditions. ClinVar contains an entry for this variant (Variation ID: 3051680). Experimental studies and prediction algorithms are not available or were not evaluated, and the functional significance of this variant is currently unknown. In summary, the available evidence is currently insufficient to determine the role of this variant in disease. Therefore, it has been classified as a Variant of Uncertain Significance.

PreventionGenetics, part of Exact Sciences
Classification: Likely benign for DLST-related condition. Last evaluated: 2022-02-16. Review status: no assertion criteria provided. Collection method: clinical testing. Allele origin: germline. Not counted in ClinVar's aggregate classification.
Comment: This variant is classified as likely benign based on ACMG/AMP sequence variant interpretation guidelines (Richards et al. 2015 PMID: 25741868, with internal and published modifications).

NM_001933.5(DLST):c.440G>A (p.Gly147Asp)

Gene: DLST (dihydrolipoamide S-succinyltransferase; plus strand). Cytogenetic location: 14q24.3.
Variant type: single nucleotide variant.
Coding change: c.440G>A on transcript NM_001933.5 (MANE Select); coding-DNA position 440, G replaced by A.
Protein change: p.Gly147Asp; replaces glycine 147 with aspartic acid.
Molecular consequence: missense variant. On other transcripts: non-coding transcript variant (2).
Genome position (GRCh38, 1-based): chr14:74,891,165, G>A. VCF-style: chr14-74891165-G-A. GRCh37 (hg19) VCF-style: chr14-75357868-G-A.
Other names: c.440G>A, p.Gly147Asp (NM_001244883.2); short protein forms G147D.
Identifiers: ClinVar variation 3051680 (VCV003051680.4), dbSNP rs145198857, ClinGen allele CA7273488.